The following is an entry in ClinVar:

ClinVar aggregate classification (germline): Uncertain significance (1 of 4 stars; one submission).

Conditions:
Progressive myoclonic epilepsy type 5. Identifiers: Orphanet 402082, MedGen C5190799.

Allele frequency attached by ClinVar (database versions not stated): TOPMed 0.00001.
gnomAD v4.1: 5 of 1,614,184 alleles (0.00031%); highest among the groups gnomAD compares: Non-Finnish European, 0.00034%; no homozygotes.

Submission:

Labcorp Genetics (formerly Invitae), Labcorp
Classification: Uncertain significance for Progressive myoclonic epilepsy type 5. Last evaluated: 2024-05-23. Review status: criteria provided, single submitter. Criteria: Invitae Variant Classification Sherloc (09022015). Collection method: clinical testing. Allele origin: germline.
Comment: This sequence change replaces glutamic acid, which is acidic and polar, with lysine, which is basic and polar, at codon 224 of the PRICKLE2 protein (p.Glu224Lys). This variant is not present in population databases (gnomAD no frequency). This variant has not been reported in the literature in individuals affected with PRICKLE2-related conditions. ClinVar contains an entry for this variant (Variation ID: 478011). Advanced modeling of protein sequence and biophysical properties (such as structural, functional, and spatial information, amino acid conservation, physicochemical variation, residue mobility, and thermodynamic stability) performed at Invitae indicates that this missense variant is expected to disrupt PRICKLE2 protein function with a positive predictive value of 80%. In summary, the available evidence is currently insufficient to determine the role of this variant in disease. Therefore, it has been classified as a Variant of Uncertain Significance.

NM_198859.4(PRICKLE2):c.670G>A (p.Glu224Lys)

Gene: PRICKLE2 (prickle planar cell polarity protein 2; minus strand). Cytogenetic location: 3p14.1.
Variant type: single nucleotide variant.
Coding change: c.670G>A on transcript NM_198859.4 (MANE Select); coding-DNA position 670, G replaced by A.
Protein change: p.Glu224Lys; replaces glutamic acid 224 with lysine.
Molecular consequence: missense variant.
Genome position (GRCh38, 1-based): chr3:64,153,299, C>T on the plus strand (G>A on the coding strand, the complement: PRICKLE2 is on the minus strand). VCF-style: chr3-64153299-C-T. GRCh37 (hg19) VCF-style: chr3-64138975-C-T.
Other names: c.670G>A, p.Glu224Lys (NM_001370528.1); short protein forms E224K.
Identifiers: ClinVar variation 478011 (VCV000478011.7), dbSNP rs1199006668, ClinGen allele CA353433934.